The following is an entry in ClinVar:

NM_033629.6(TREX1):c.19C>T (p.Pro7Ser)

Genes: ATRIP (ATR interacting protein; plus strand), ATRIP-TREX1 (ATRIP-TREX1 readthrough; plus strand), TREX1 (three prime repair exonuclease 1; plus strand). Cytogenetic location: 3p21.31.
Variant type: single nucleotide variant.
Coding change: c.19C>T on transcript NM_033629.6 (MANE Select); coding-DNA position 19, C replaced by T.
Protein change: p.Pro7Ser; replaces proline 7 with serine.
Molecular consequence: missense variant. On other transcripts: non-coding transcript variant (1), 5 prime UTR variant (1), 3 prime UTR variant (4).
Genome position (GRCh38, 1-based): chr3:48,466,674, C>T. VCF-style: chr3-48466674-C-T. GRCh37 (hg19) VCF-style: chr3-48508073-C-T.
Other names: c.-12C>T (NM_007248.5); c.*1120C>T (NM_001271022.2, NM_001271023.2, NM_032166.4 and 1 more transcripts); short protein forms P7S.
Identifiers: ClinVar variation 1691056 (VCV001691056.2), dbSNP rs766068553, ClinGen allele CA352616858.
Genomic context (GRCh38, chr3:48,466,674, plus strand): 5'-CCATGCTCCTCTCCAGGCTCAGCAGCAGGTACGTACCCAACCATGGGCTCGCAGGCCCTG[C>T]CCCCGGGGCCCATGCAGACCCTCATCTTTTTCGACATGGAGGCCACTGGCTTGCCCTTCT-3'
Protein context (NP_338599.1, residues 1-17): MGSQAL[Pro7Ser]PGPMQTLIFF

ClinVar aggregate classification (germline): Uncertain significance (1 of 4 stars; one submission).

Allele frequency attached by ClinVar (database versions not stated): gnomAD exomes below 0.00001; TOPMed below 0.00001.
gnomAD v4.1: 1 of 1,613,986 alleles (0.000062%); highest among the groups gnomAD compares: Non-Finnish European, 0.000085%; no homozygotes.

Submission:

Laboratorio de Genetica e Diagnostico Molecular, Hospital Israelita Albert Einstein
Classification: Uncertain significance. Last evaluated: 2022-01-04. Review status: criteria provided, single submitter. Criteria: ACMG Guidelines, 2015. Collection method: clinical testing. Allele origin: germline. Affected: yes.
Comment: ACMG classification criteria: PM2, BP4